The following is an entry in ClinVar:

ClinVar aggregate classification (germline): Uncertain significance (1 of 4 stars; one submission).

Conditions:
Congenital adrenal hypoplasia, X-linked (AHC). Also called: X-linked AHC; X-Linked Adrenal Hypoplasia Congenita; Isolated X-Linked Adrenal Hypoplasia Congenita; ADRENAL HYPOPLASIA, CONGENITAL, WITH HYPOGONADOTROPIC HYPOGONADISM. Identifiers: Orphanet 95702, MedGen C0342482, MONDO:0010264, OMIM 300200. Disease mechanism: loss of function.

Submission:

Neuberg Centre For Genomic Medicine, NCGM
Classification: Uncertain significance for Congenital adrenal hypoplasia, X-linked. Review status: criteria provided, single submitter. Criteria: ACMG Guidelines, 2015. Collection method: clinical testing. Allele origin: germline. Affected: yes.
Comment: The missense variant p.L294P in NR0B1 (NM_000475.5) has not been reported previously as a pathogenic variant nor as a benign variant, to our knowledge. The p.L294P variant is novel (not in any individuals) in gnomAD Exomes and is novel (not in any individuals) in 1000 Genomes. The p.L294P missense variant is predicted to be damaging by both SIFT and PolyPhen2. The leucine residue at codon 294 of NR0B1 is conserved in all mammalian species. The nucleotide c.881 in NR0B1 is predicted conserved by GERP++ and PhyloP across 100 vertebrates. For these reasons, this variant has been classified as Uncertain Significance.

NM_000475.5(NR0B1):c.881T>C (p.Leu294Pro)

Gene: NR0B1 (nuclear receptor subfamily 0 group B member 1; minus strand). Cytogenetic location: Xp21.2.
Variant type: single nucleotide variant.
Coding change: c.881T>C on transcript NM_000475.5 (MANE Select); coding-DNA position 881, T replaced by C.
Protein change: p.Leu294Pro; replaces leucine 294 with proline.
Molecular consequence: missense variant.
Genome position (GRCh38, 1-based): chrX:30,308,483, A>G on the plus strand (T>C on the coding strand, the complement: NR0B1 is on the minus strand). VCF-style: chrX-30308483-A-G. GRCh37 (hg19) VCF-style: chrX-30326600-A-G.
Other names: short protein forms L294P.
Identifiers: ClinVar variation 1339046 (VCV001339046.2), dbSNP rs2147006470, ClinGen allele CA412547458.